The following is an entry in ClinVar:

NM_024817.3(THSD4):c.2341C>T (p.Arg781Trp)

Gene: THSD4 (thrombospondin type 1 domain containing 4; plus strand). Cytogenetic location: 15q23.
Variant type: single nucleotide variant.
Coding change: c.2341C>T on transcript NM_024817.3 (MANE Select); coding-DNA position 2341, C replaced by T.
Protein change: p.Arg781Trp; replaces arginine 781 with tryptophan.
Molecular consequence: missense variant.
Genome position (GRCh38, 1-based): chr15:71,748,520, C>T. VCF-style: chr15-71748520-C-T. GRCh37 (hg19) VCF-style: chr15-72040859-C-T.
Other names: THSD4, ARG781TRP (rs767807136); c.1261C>T, p.Arg421Trp (NM_001286429.2); c.2341C>T, p.Arg781Trp (NM_001394532.1); short protein forms R781W, R421W.
Identifiers: ClinVar variation 1675222 (VCV001675222.4), dbSNP rs767807136, ClinGen allele CA7639871.

ClinVar aggregate classification (germline): Conflicting classifications of pathogenicity. Review status: criteria provided, conflicting classifications (1 of 4 stars). 3 submissions from 3 submitters: Uncertain significance (1); Benign (1). 1 of the submissions does not count toward it. Last evaluated 2024-10-09.

Conditions:
Aortic aneurysm, familial thoracic 12. Identifiers: MedGen C5676959, MONDO:0030731, OMIM 619825.

Allele frequency attached by ClinVar (database versions not stated): gnomAD 0.00001; gnomAD exomes 0.00002 and 0.00003; TOPMed 0.00002; ExAC 0.00005.
gnomAD v4.1: 40 of 1,614,042 alleles (0.0025%); highest among the groups gnomAD compares: Middle Eastern, 0.049%; no homozygotes.

Submissions (3):

Victorian Clinical Genetics Services, Murdoch Childrens Research Institute
Classification: Uncertain significance for Aortic aneurysm, familial thoracic 12. Last evaluated: 2024-10-09. Review status: criteria provided, single submitter. Criteria: ACMG Guidelines, 2015. Collection method: clinical testing. Allele origin: germline. Inheritance: Autosomal dominant inheritance.
Comment: Based on the classification scheme VCGS_Germline_v1.3.4, this variant is classified as VUS-3B. Following criteria are met: 0102 - Loss of function is a known mechanism of disease in this gene and is associated with familial thoracic aortic aneurysm 12 (MIM#619825). (I) 0107 - This gene is associated with autosomal dominant disease. (I) 0200 - Variant is predicted to result in a missense amino acid change from arginine to tryptophan. (I) 0251 - This variant is heterozygous. (I) 0302 - Variant is present in gnomAD (v2) <0.001 for a dominant condition (6 heterozygotes, 0 homozygotes). (SP) 0309 - An alternative amino acid change at the same position has been observed in gnomAD (v3) (19 heterozygotes, 0 homozygotes). (I) 0501 - Missense variant consistently predicted to be damaging by multiple in silico tools or highly conserved with a major amino acid change. (SP) 0600 - Variant is located in the annotated thrombospondin type 1 domain (DECIPHER). (I) 0705 - No comparable missense variants have previous evidence for pathogenicity. (I) 0803 - This variant has limited previous evidence of pathogenicity in an unrelated individual. This variant has been observed in an individual with thoracic aortic disease (PMID: 32855533). (SP) 0905 - No published segregation evidence has been identified for this variant. (I) 1002 - This variant has moderate functional evidence supporting abnormal protein function. Cells transfected with the the THSD4-Arg781Trp constructs exhibited very few fibrillin-1-positive microfibrils. Immunocytochemistry analysis showed that there was a significant decrease in the signal obtained with the THSD4-Arg781Trp construct compared to WT (PMID: 32855533). (I) Legend: (SP) - Supporting pathogenic, (I) - Information, (SB) - Supporting benign

Dr.Nikuei Genetic Center
Classification: Benign for Aortic aneurysm, familial thoracic 12. Review status: criteria provided, single submitter. Criteria: ACMG Guidelines, 2015. Collection method: clinical testing. Allele origin: germline. Inheritance: Autosomal dominant inheritance. Affected: no.

OMIM
Classification: Pathogenic for AORTIC ANEURYSM, FAMILIAL THORACIC 12. Last evaluated: 2022-04-05. Review status: no assertion criteria provided. Collection method: literature only. Allele origin: germline. Not counted in ClinVar's aggregate classification.

Literature cited by the submitters: PubMed 32855533 (cited by Victorian Clinical Genetics Services, Murdoch Childrens Research Institute and OMIM).